The following is an entry in ClinVar:

ClinVar aggregate classification (germline): Uncertain significance (1 of 4 stars; one submission).

Conditions:
Tuberous sclerosis 2 (TSC2). Identifiers: Orphanet 805, MedGen C1860707, MONDO:0013199, OMIM 613254.

Submission:

Labcorp Genetics (formerly Invitae), Labcorp
Classification: Uncertain significance for Tuberous sclerosis 2. Last evaluated: 2023-09-01. Review status: criteria provided, single submitter. Criteria: Invitae Variant Classification Sherloc (09022015). Collection method: clinical testing. Allele origin: germline.
Comment: Advanced modeling of protein sequence and biophysical properties (such as structural, functional, and spatial information, amino acid conservation, physicochemical variation, residue mobility, and thermodynamic stability) performed at Invitae indicates that this missense variant is not expected to disrupt TSC2 protein function. This sequence change replaces proline, which is neutral and non-polar, with serine, which is neutral and polar, at codon 26 of the TSC2 protein (p.Pro26Ser). This variant is not present in population databases (gnomAD no frequency). This variant has not been reported in the literature in individuals affected with TSC2-related conditions. In summary, the available evidence is currently insufficient to determine the role of this variant in disease. Therefore, it has been classified as a Variant of Uncertain Significance.

NM_000548.5(TSC2):c.76C>T (p.Pro26Ser)

Gene: TSC2 (TSC complex subunit 2; plus strand). Cytogenetic location: 16p13.3.
Variant type: single nucleotide variant.
Coding change: c.76C>T on transcript NM_000548.5 (MANE Select); coding-DNA position 76, C replaced by T.
Protein change: p.Pro26Ser; replaces proline 26 with serine.
Molecular consequence: missense variant. On other transcripts: 5 prime UTR variant (19), non-coding transcript variant (5), intron variant (6).
Genome position (GRCh38, 1-based): chr16:2,048,691, C>T. VCF-style: chr16-2048691-C-T. GRCh37 (hg19) VCF-style: chr16-2098692-C-T.
Other names: c.76C>T, p.Pro26Ser (NM_001077183.3, NM_001114382.3, NM_001318827.2 and 13 more transcripts); c.-151C>T (NM_001318831.2, NM_001406682.1, NM_001406684.1 and 2 more transcripts); c.109C>T, p.Pro37Ser (NM_001318832.2); c.-741C>T (NM_001406680.1, NM_001406683.1, NM_001406687.1); c.-370C>T (NM_001406681.1); c.-1356C>T (NM_001406689.1, NM_001406690.1, NM_001406691.1 and 2 more transcripts); c.-1662C>T (NM_001406693.1); c.-1237C>T (NM_001406694.1, NM_001406695.1); and 4 more; short protein forms P26S, P37S.
Identifiers: ClinVar variation 2712351 (VCV002712351.3), dbSNP rs2150971861, ClinGen allele CA394301253.